The following is an entry in ClinVar:

ClinVar aggregate classification (germline): not provided (0 of 4 stars; one submission).

Conditions:
Uterine leiomyoma (UL). Also called: Uterine corpus leiomyoma. Identifiers: MedGen C0042133, MONDO:0007886, OMIM 150699, HP:0000131.

Submission:

Rajkovic Lab, University of Pittsburgh
No classification provided. Condition: Leiomyoma, uterine. Review status: no classification provided. Collection method: not provided. Allele origin: somatic.
ClinVar note: Converted during submission from Associated with leiomyomas to not provided.

NM_005120.3(MED12):c.131G>C (p.Gly44Ala)

Gene: MED12 (mediator complex subunit 12; plus strand). Cytogenetic location: Xq13.1.
Variant type: single nucleotide variant.
Coding change: c.131G>C on transcript NM_005120.3 (MANE Select); coding-DNA position 131, G replaced by C.
Protein change: p.Gly44Ala; replaces glycine 44 with alanine.
Molecular consequence: missense variant.
Genome position (GRCh38, 1-based): chrX:71,119,404, G>C. VCF-style: chrX-71119404-G-C. GRCh37 (hg19) VCF-style: chrX-70339254-G-C.
Other names: short protein forms G44A.
Identifiers: ClinVar variation 92221 (VCV000092221.2), dbSNP rs199469672, ClinGen allele CA145571.